The following is an entry in ClinVar:

ClinVar aggregate classification (germline): Uncertain significance (1 of 4 stars; one submission).

Allele frequency attached by ClinVar (database versions not stated): TOPMed below 0.00001; ExAC 0.00001; gnomAD exomes 0.00001.

Submission:

Labcorp Genetics (formerly Invitae), Labcorp
Classification: Uncertain significance. Last evaluated: 2023-06-30. Review status: criteria provided, single submitter. Criteria: Invitae Variant Classification Sherloc (09022015). Collection method: clinical testing. Allele origin: germline.
Comment: This sequence change replaces arginine, which is basic and polar, with tryptophan, which is neutral and slightly polar, at codon 432 of the CLCN4 protein (p.Arg432Trp). In summary, the available evidence is currently insufficient to determine the role of this variant in disease. Therefore, it has been classified as a Variant of Uncertain Significance. Advanced modeling of protein sequence and biophysical properties (such as structural, functional, and spatial information, amino acid conservation, physicochemical variation, residue mobility, and thermodynamic stability) has been performed at Invitae for this missense variant, however the output from this modeling did not meet the statistical confidence thresholds required to predict the impact of this variant on CLCN4 protein function. ClinVar contains an entry for this variant (Variation ID: 1014546). This variant has not been reported in the literature in individuals affected with CLCN4-related conditions. This variant is present in population databases (rs781166298, gnomAD 0.005%), including at least one homozygous and/or hemizygous individual.

NM_001830.4(CLCN4):c.1294C>T (p.Arg432Trp)

Gene: CLCN4 (Cl-/H+ antiporter 4; plus strand). Cytogenetic location: Xp22.2.
Variant type: single nucleotide variant.
Coding change: c.1294C>T on transcript NM_001830.4 (MANE Select); coding-DNA position 1294, C replaced by T.
Protein change: p.Arg432Trp; replaces arginine 432 with tryptophan.
Molecular consequence: missense variant.
Genome position (GRCh38, 1-based): chrX:10,208,495, C>T. VCF-style: chrX-10208495-C-T. GRCh37 (hg19) VCF-style: chrX-10176535-C-T.
Other names: c.1012C>T, p.Arg338Trp (NM_001256944.2); short protein forms R338W, R432W.
Identifiers: ClinVar variation 1014546 (VCV001014546.8), dbSNP rs781166298, ClinGen allele CA10347197.